The following is an entry in ClinVar:

ClinVar aggregate classification (germline): Benign/Likely benign. Review status: criteria provided, multiple submitters, no conflicts (2 of 4 stars). 4 submissions from 4 submitters: Benign (3); Likely benign (1). Last evaluated 2026-01-17.

Conditions:
Retinitis pigmentosa (RP). Identifiers: Orphanet 791, MedGen C0035334, MeSH D012174, MONDO:0019200, OMIM 268000. Inheritance: Autosomal dominant, autosomal recessive and X linked inheritance.

Allele frequency attached by ClinVar (database versions not stated): gnomAD exomes 0.00144; ExAC 0.00302; gnomAD 0.00548 and 0.00587; ESP Exome Variant Server 0.00563; TOPMed 0.00598; 1000 Genomes Project 0.00779; 1000 Genomes Project 30x 0.00874.
gnomAD v4.1: 1,581 of 1,595,078 alleles (0.099%); highest among the groups gnomAD compares: African/African-American, 1.9%; 13 homozygotes.

Submissions (4):

Labcorp Genetics (formerly Invitae), Labcorp
Classification: Benign. Last evaluated: 2026-01-17. Review status: criteria provided, single submitter. Criteria: Invitae Variant Classification Sherloc (09022015). Collection method: clinical testing. Allele origin: germline.

Blueprint Genetics
Classification: Likely benign. Last evaluated: 2024-09-09. Review status: criteria provided, single submitter. Criteria: ACMG Guidelines, 2015. Collection method: clinical testing. Allele origin: germline.

Illumina Laboratory Services, Illumina
Classification: Benign for Retinitis pigmentosa. Last evaluated: 2017-04-28. Review status: criteria provided, single submitter. Criteria: ICSL Variant Classification Criteria 13 December 2019. Collection method: clinical testing. Allele origin: germline.
Comment: This variant was observed as part of a predisposition screen in an ostensibly healthy population. A literature search was performed for the gene, cDNA change, and amino acid change (where applicable). Publications were found based on this search. The evidence from the literature, in combination with allele frequency data from public databases where available, was sufficient to rule this variant out of causing disease. Therefore, this variant is classified as benign.

Breakthrough Genomics
Classification: Benign. Review status: criteria provided, single submitter. Criteria: ACMG Guidelines, 2015. Collection method: not provided. Allele origin: germline. Inheritance: Unknown mechanism. Affected: yes.

Literature cited by the submitters: PubMed 21412943 (cited by Illumina Laboratory Services, Illumina).

NM_001029883.3(PCARE):c.3761C>T (p.Pro1254Leu)

Gene: PCARE (photoreceptor cilium actin regulator; minus strand). Cytogenetic location: 2p23.2.
Variant type: single nucleotide variant.
Coding change: c.3761C>T on transcript NM_001029883.3 (MANE Select); coding-DNA position 3761, C replaced by T.
Protein change: p.Pro1254Leu; replaces proline 1254 with leucine.
Molecular consequence: missense variant.
Genome position (GRCh38, 1-based): chr2:29,064,975, G>A on the plus strand (C>T on the coding strand, the complement: PCARE is on the minus strand). VCF-style: chr2-29064975-G-A. GRCh37 (hg19) VCF-style: chr2-29287841-G-A.
Other names: short protein forms P1254L.
Identifiers: ClinVar variation 738564 (VCV000738564.16), dbSNP rs1975713, ClinGen allele CA1591835.